The following is an entry in ClinVar:

ClinVar aggregate classification (germline): Uncertain significance (1 of 4 stars; one submission).

gnomAD v4.1: 1 of 1,614,134 alleles (0.000062%); highest among the groups gnomAD compares: Non-Finnish European, 0.000085%; no homozygotes.

Submission:

Ambry Genetics
Classification: Uncertain significance. Last evaluated: 2025-09-18. Review status: criteria provided, single submitter. Criteria: Ambry Variant Classification Scheme 2023. Collection method: clinical testing. Allele origin: germline.
Comment: The p.S795P variant (also known as c.2383T>C), located in coding exon 22 of the KIF1B gene, results from a T to C substitution at nucleotide position 2383. The serine at codon 795 is replaced by proline, an amino acid with similar properties. This amino acid position is conserved. In addition, this alteration is predicted to be deleterious by in silico analysis. Based on the available evidence, the clinical significance of this variant remains unclear.

NM_001365951.3(KIF1B):c.2521T>C (p.Ser841Pro)

Gene: KIF1B (kinesin family member 1B; plus strand). Cytogenetic location: 1p36.22.
Variant type: single nucleotide variant.
Coding change: c.2521T>C on transcript NM_001365951.3 (MANE Select); coding-DNA position 2521, T replaced by C.
Protein change: p.Ser841Pro; replaces serine 841 with proline.
Molecular consequence: missense variant.
Genome position (GRCh38, 1-based): chr1:10,324,046, T>C. VCF-style: chr1-10324046-T-C. GRCh37 (hg19) VCF-style: chr1-10384104-T-C.
Other names: c.2521T>C, p.Ser841Pro (NM_001365952.1); c.2383T>C, p.Ser795Pro (NM_015074.3); short protein forms S795P, S841P.
Identifiers: ClinVar variation 4543607 (VCV004543607.1).